The following is an entry in ClinVar:

ClinVar aggregate classification (germline): Benign/Likely benign. Review status: criteria provided, multiple submitters, no conflicts (2 of 4 stars). 5 submissions from 5 submitters: Benign (4); Likely benign (1). Last evaluated 2025-11-17.

Conditions:
Inborn genetic diseases. Identifiers: MedGen C0950123, MeSH D030342.
Episodic ataxia type 2 (EA2). Also called: ACETAZOLAMIDE-RESPONSIVE HEREDITARY PAROXYSMAL CEREBELLAR ATAXIA; ATAXIA, EPISODIC, WITH NYSTAGMUS; ATAXIA, FAMILIAL PAROXYSMAL; CEREBELLAR ATAXIA, PAROXYSMAL, ACETAZOLAMIDE-RESPONSIVE; CEREBELLOPATHY, HEREDITARY PAROXYSMAL; EPISODIC ATAXIA, NYSTAGMUS-ASSOCIATED. Identifiers: Orphanet 97, MedGen C1720416, MONDO:0007163, OMIM 108500.
Developmental and epileptic encephalopathy, 42 (DEE42A). Also called: Epileptic encephalopathy, early infantile, 42; DEVELOPMENTAL AND EPILEPTIC ENCEPHALOPATHY 42A; EPILEPTIC ENCEPHALOPATHY, EARLY INFANTILE, 42A. Identifiers: MedGen C4310716, MONDO:0014917, OMIM 617106.

Allele frequency attached by ClinVar (database versions not stated): gnomAD exomes 0.00014 and 0.00089; gnomAD 0.00025 and 0.00037; TOPMed 0.00034; ExAC 0.00125; 1000 Genomes Project 30x 0.00312; 1000 Genomes Project 0.00319.
gnomAD v4.1: 268 of 1,546,916 alleles (0.017%); highest among the groups gnomAD compares: East Asian, 0.56%; 2 homozygotes.

Submissions (5):

Labcorp Genetics (formerly Invitae), Labcorp
Classification: Benign for Developmental and epileptic encephalopathy, 42; Episodic ataxia type 2. Last evaluated: 2025-11-17. Review status: criteria provided, single submitter. Criteria: Invitae Variant Classification Sherloc (09022015). Collection method: clinical testing. Allele origin: germline.

Blueprint Genetics
Classification: Likely benign. Last evaluated: 2024-11-08. Review status: criteria provided, single submitter. Criteria: ACMG Guidelines, 2015. Collection method: clinical testing. Allele origin: germline.

GeneDx
Classification: Benign. Last evaluated: 2016-11-11. Review status: criteria provided, single submitter. Criteria: GeneDx Variant Classification (06012015). Collection method: clinical testing. Allele origin: germline. Affected: yes.
Comment: This variant is considered likely benign or benign based on one or more of the following criteria: it is a conservative change, it occurs at a poorly conserved position in the protein, it is predicted to be benign by multiple in silico algorithms, and/or has population frequency not consistent with disease.

Ambry Genetics
Classification: Benign for Inborn genetic diseases. Last evaluated: 2016-11-09. Review status: criteria provided, single submitter. Criteria: Ambry Variant Classification Scheme 2023. Collection method: clinical testing. Allele origin: germline.

Athena Diagnostics
Classification: Benign. Last evaluated: 2016-08-22. Review status: criteria provided, single submitter. Criteria: Athena Diagnostics Criteria. Collection method: clinical testing. Allele origin: germline.

NM_001127222.2(CACNA1A):c.62C>T (p.Ala21Val)

Gene: CACNA1A (calcium voltage-gated channel subunit alpha1 A; minus strand). Cytogenetic location: 19p13.13.
Variant type: single nucleotide variant.
Coding change: c.62C>T on transcript NM_001127222.2 (MANE Select); coding-DNA position 62, C replaced by T.
Protein change: p.Ala21Val; replaces alanine 21 with valine.
Molecular consequence: missense variant.
Genome position (GRCh38, 1-based): chr19:13,506,163, G>A on the plus strand (C>T on the coding strand, the complement: CACNA1A is on the minus strand). VCF-style: chr19-13506163-G-A. GRCh37 (hg19) VCF-style: chr19-13616977-G-A.
Other names: c.62C>T, p.Ala21Val (NM_000068.4, NM_001127221.2, NM_001174080.2 and 1 more transcripts); short protein forms A21V.
Identifiers: ClinVar variation 385048 (VCV000385048.16), dbSNP rs15999, ClinGen allele CA9241108.
Genomic context (GRCh38, chr19:13,506,163, plus strand): 5'-TGCCCGCCCTGCCGGCTGCCCCCGGCTCCTCGCCCGCCTCCGCTGCCCACGACCACCCCG[G>A]CGGCTGCCCCGGAGCCTCCTCCCCCGTAGCGGGCCGGCATCTCGTCTCCGAAGCGGGCCA-3'
Protein context (NP_001120694.1, residues 11-31): RYGGGGSGAA[Ala21Val]GVVVGSGGGR